The following is an entry in ClinVar:

ClinVar aggregate classification (germline): Likely benign. Review status: criteria provided, multiple submitters, no conflicts (2 of 4 stars). 3 submissions from 3 submitters: Likely benign (3). Last evaluated 2026-07-01.

Conditions:
Dilated cardiomyopathy 1G (CMD1G). Identifiers: Orphanet 154, MedGen C1858763, MONDO:0011400, OMIM 604145.
Autosomal recessive limb-girdle muscular dystrophy type 2J (LGMDR10). Also called: Limb-girdle muscular dystrophy, type 2J; MUSCULAR DYSTROPHY, LIMB-GIRDLE, AUTOSOMAL RECESSIVE 10. Identifiers: Orphanet 140922, MedGen C1837342, MONDO:0012127, OMIM 608807.

Allele frequency attached by ClinVar (database versions not stated): gnomAD 0.00001; TOPMed 0.00001.
gnomAD v4.1: 11 of 1,613,142 alleles (0.00068%); highest among the groups gnomAD compares: Admixed American, 0.018%; no homozygotes.

Submissions (3):

CeGaT Center for Human Genetics Tuebingen
Classification: Likely benign. Last evaluated: 2026-07-01. Review status: criteria provided, single submitter. Criteria: CeGaT Center For Human Genetics Tuebingen Variant Classification Criteria Version 2. Collection method: clinical testing. Allele origin: germline. Affected: yes. Observed: 1 variant allele.
Comment: TTN: BP4, BP7

Labcorp Genetics (formerly Invitae), Labcorp
Classification: Likely benign for Dilated cardiomyopathy 1G; Autosomal recessive limb-girdle muscular dystrophy type 2J. Last evaluated: 2024-11-07. Review status: criteria provided, single submitter. Criteria: Invitae Variant Classification Sherloc (09022015). Collection method: clinical testing. Allele origin: germline.

GeneDx
Classification: Likely benign. Last evaluated: 2019-01-17. Review status: criteria provided, single submitter. Criteria: GeneDx Variant Classification Process June 2021. Collection method: clinical testing. Allele origin: germline. Affected: yes.

NM_001267550.2(TTN):c.66357T>A (p.Gly22119=)

Genes: TTN (titin; minus strand), TTN-AS1 (TTN antisense RNA 1; plus strand). Cytogenetic location: 2q31.2.
Variant type: single nucleotide variant.
Coding change: c.66357T>A on transcript NM_001267550.2 (MANE Select); coding-DNA position 66357, T replaced by A.
Protein change: p.Gly22119=; no amino-acid change (glycine 22119 retained).
Molecular consequence: synonymous variant.
Genome position (GRCh38, 1-based): chr2:178,582,012, A>T on the plus strand (T>A on the coding strand, the complement: TTN is on the minus strand). VCF-style: chr2-178582012-A-T. GRCh37 (hg19) VCF-style: chr2-179446739-A-T.
Other names: c.61434T>A, p.Gly20478= (NM_001256850.1); c.39162T>A, p.Gly13054= (NM_003319.4); c.58653T>A, p.Gly19551= (NM_133378.4); c.39537T>A, p.Gly13179= (NM_133432.3); c.39738T>A, p.Gly13246= (NM_133437.4).
Identifiers: ClinVar variation 1290538 (VCV001290538.10), dbSNP rs1471586274, ClinGen allele CA430262596.